The following is an entry in ClinVar:

NM_001164508.2(NEB):c.3394_3395insGGCCGGGCGCGGTGGCTCACGCCTGTAATCCCAGCACTTTGGGAGGCCGAGGCGGGTGGATCATGAGGTCAGNNNNNNNNNNAAAAAAAAAAAAAAAAAAAAAAAAAAGACTATGAGA (p.Lys1132delinsArgProGlyAlaValAlaHisAlaCysAsnProSerThrLeuGlyGlyArgGlyGlyTrpIleMetArgSerXaaXaaXaaXaaLysLysLysLysLysLysLysLysArgLeuTer)

Gene: NEB (nebulin; minus strand). Cytogenetic location: 2q23.3.
Variant type: Microsatellite.
Coding change: c.3394_3395insGGCCGGGCGCGGTGGCTCACGCCTGTAATCCCAGCACTTTGGGAGGCCGAGGCGGGTGGATCATGAGGTCAGNNNNNNNNNNAAAAAAAAAAAAAAAAAAAAAAAAAAGACTATGAGA on transcript NM_001164508.2 (MANE Select); coding-DNA positions 3394 to 3395, GGCCGGGCGCGGTGGCTCACGCCTGTAATCCCAGCACTTTGGGAGGCCGAGGCGGGTGGATCATGAGGTCAGNNNNNNNNNNAAAAAAAAAAAAAAAAAAAAAAAAAAGACTATGAGA inserted.
Protein change: p.Lys1132delinsArgProGlyAlaValAlaHisAlaCysAsnProSerThrLeuGlyGlyArgGlyGlyTrpIleMetArgSerXaaXaaXaaXaaLysLysLysLysLysLysLysLysArgLeuTer.
Molecular consequence: nonsense.
Genome position: GRCh38: chr2:151,678,049-151,678,064. GRCh37 (hg19), VCF-style position (the base before the change): chr2:152,534,562.
Other names: c.3394_3395insGGCCGGGCGCGGTGGCTCACGCCTGTAATCCCAGCACTTTGGGAGGCCGAGGCGGGTGGATCATGAGGTCAGNNNNNNNNNNAAAAAAAAAAAAAAAAAAAAAAAAAAGACTATGAGA, p.Lys1132delinsArgProGlyAlaValAlaHisAlaCysAsnProSerThrLeuGlyGlyArgGlyGlyTrpIleMetArgSerXaaXaaXaaXaaLysLysLysLysLysLysLysLysArgLeuTer (NM_001164507.2, NM_001271208.2, NM_004543.5).
Identifiers: ClinVar variation 2840299 (VCV002840299.3).

ClinVar aggregate classification (germline): Pathogenic (1 of 4 stars; one submission).

Conditions:
Nemaline myopathy 2 (NEM2). Also called: Nemaline myopathy 2, autosomal recessive. Identifiers: MedGen C1850569, MONDO:0009725, OMIM 256030.

Submission:

Labcorp Genetics (formerly Invitae), Labcorp
Classification: Pathogenic for Nemaline myopathy 2. Last evaluated: 2024-09-23. Review status: criteria provided, single submitter. Criteria: Invitae Variant Classification Sherloc (09022015). Collection method: clinical testing. Allele origin: germline.
Comment: This sequence change inserts a large fragment of DNA, likely a transposable element, in exon 33 of the NEB gene (c.3394_3395ins?), causing a frameshift at codon 1132 (p.Lys1132fs). The exact size and sequence of the insertion cannot be determined by the current assay. However, the insertion is expected to result in an absent or disrupted protein product. This variant is not present in population databases (gnomAD no frequency). This variant has not been reported in the literature in individuals affected with NEB-related conditions. Retrotransposon insertions including LINE1 (L1), Alu, and SVA (SINE-VNTR-Alu) have been reported to be disease-causing through disruption of either a coding region or splice site (PMID: 19763152, 20307669, 22406018) and loss-of-function variants in NEB are known to be pathogenic (PMID: 25205138). For these reasons, this variant has been classified as Pathogenic.

Literature cited by the submitters: PubMed 19763152; PubMed 20307669; PubMed 22406018; PubMed 25205138.